The following is an entry in ClinVar:

ClinVar aggregate classification (germline): Uncertain significance (1 of 4 stars; one submission).

Conditions:
Familial thoracic aortic aneurysm and aortic dissection (TAAD). Also called: Thoracic aortic aneurysms and dissections. Identifiers: Orphanet 91387, MedGen C4707243, MONDO:0019625.

Allele frequency attached by ClinVar (database versions not stated): ExAC 0.00002; TOPMed 0.00004.
gnomAD v4.1: 23 of 1,613,916 alleles (0.0014%); highest among the groups gnomAD compares: East Asian, 0.049%; no homozygotes.

Submission:

Ambry Genetics
Classification: Uncertain significance for Familial thoracic aortic aneurysm and aortic dissection. Last evaluated: 2016-01-25. Review status: criteria provided, single submitter. Criteria: Ambry Variant Classification Scheme 2023. Collection method: clinical testing. Allele origin: germline.
Comment: The c.*4G>A variant is located in the 3' untranslated region (3&rsquo; UTR) of the PLOD1 gene. This variant results from a G to A substitution four bases downstream of the last translated codon. Based on data from ExAC, the A allele was reported in 3 of 121046 (0.003%) total alleles (Exome Aggregation Consortium (ExAC), Cambridge, MA (URL) [Accessed January 25, 2016]). This variant was not reported in population based cohorts in the following databases: Database of Single Nucleotide Polymorphisms (dbSNP), NHLBI Exome Sequencing Project (ESP), and 1000 Genomes Project. In the ESP, this variant was not observed in 6503 samples (13006 alleles) with coverage at this position. This nucleotide position is poorly conserved on limited sequence alignment; however, A is the reference nucleotide in other vertebrate species. Since supporting evidence is limited at this time, the clinical significance of this variant remains unclear.

NM_000302.4(PLOD1):c.*4G>A

Gene: PLOD1 (procollagen-lysine,2-oxoglutarate 5-dioxygenase 1; plus strand). Cytogenetic location: 1p36.22.
Variant type: single nucleotide variant.
Coding change: c.*4G>A on transcript NM_000302.4 (MANE Select); 4 bases downstream of the stop codon, G replaced by A.
Molecular consequence: 3 prime UTR variant.
Genome position (GRCh38, 1-based): chr1:11,974,812, G>A. VCF-style: chr1-11974812-G-A. GRCh37 (hg19) VCF-style: chr1-12034869-G-A.
Other names: c.*4G>A (NM_001316320.2).
Identifiers: ClinVar variation 520102 (VCV000520102.5), dbSNP rs750397415, ClinGen allele CA598698.